The following is an entry in ClinVar:

ClinVar aggregate classification (germline): Uncertain significance (1 of 4 stars; one submission).

Submission:

Dasa
Classification: Uncertain significance. Last evaluated: 2026-03-11. Review status: criteria provided, single submitter. Criteria: DASA Assertion Criteria. Collection method: clinical testing. Allele origin: germline.
Comment: NM_170707.4(LMNA):c.79A>G (p.Thr27Ala) is a missense variant that results in the substitution of threonine with alanine. The affected residue or protein region has prior evidence supporting clinical relevance. This variant is rare in population databases. The currently available literature and clinical evidence are not sufficient to establish a definitive association between this variant and the reported condition. Therefore, this variant is classified as a variant of uncertain significance.

NM_170707.4(LMNA):c.79A>G (p.Thr27Ala)

Genes: LMNA (lamin A/C; plus strand), LOC129931597 (ATAC-STARR-seq lymphoblastoid silent region 1421; plus strand). Cytogenetic location: 1q22.
Variant type: single nucleotide variant.
Coding change: c.79A>G on transcript NM_170707.4 (MANE Select); coding-DNA position 79, A replaced by G.
Protein change: p.Thr27Ala; replaces threonine 27 with alanine.
Molecular consequence: missense variant. On other transcripts: 5 prime UTR variant (8), intron variant (2).
Genome position (GRCh38, 1-based): chr1:156,114,997, A>G. VCF-style: chr1-156114997-A-G. GRCh37 (hg19) VCF-style: chr1-156084788-A-G.
Other names: c.79A>G, p.Thr27Ala (NM_001282625.2, NM_001282626.2, NM_001406983.1 and 6 more transcripts); c.-345A>G (NM_001406986.1); c.-323A>G (NM_001406990.1, NM_001406995.1, NM_001407002.1); c.-586A>G (NM_001406994.1, NM_001407000.1); c.-766A>G (NM_001406999.1); c.-429A>G (NM_001407001.1); c.-203+8174A>G (NM_001406993.1, NM_001407003.1); short protein forms T27A.
Identifiers: ClinVar variation 4885190 (VCV004885190.2).